The following is an entry in ClinVar:

ClinVar aggregate classification (germline): Uncertain significance. Review status: criteria provided, multiple submitters, no conflicts (2 of 4 stars). 3 submissions from 3 submitters: Uncertain significance (3). Last evaluated 2026-06-11.

Conditions:
Hereditary cancer-predisposing syndrome. Also called: Tumor predisposition; Hereditary neoplastic syndrome; Neoplastic Syndromes, Hereditary; Hereditary Cancer Syndrome. Identifiers: Orphanet 140162, MedGen C0027672, MeSH D009386, MONDO:0015356.
Intellectual disability, autosomal dominant 16 (CSS4). Also called: COFFIN-SIRIS SYNDROME 4. Identifiers: Orphanet 1465, MedGen C3553249, MONDO:0013821, OMIM 614609.
Rhabdoid tumor predisposition syndrome 2 (RTPS2). Identifiers: Orphanet 231108, Orphanet 69077, MedGen C2750074, MONDO:0013224, OMIM 613325.

Submissions (3):

Ambry Genetics
Classification: Uncertain significance for Hereditary cancer-predisposing syndrome. Last evaluated: 2026-06-11. Review status: criteria provided, single submitter. Criteria: Ambry Variant Classification Scheme 2023. Collection method: clinical testing. Allele origin: germline.
Comment: The c.1761+5G>A intronic variant results from a G to A substitution 5 nucleotides after coding exon 9 in the SMARCA4 gene. This nucleotide position is highly conserved in available vertebrate species. In silico splice site analysis predicts that this alteration may result in the creation or strengthening of a novel splice donor site; however, direct evidence is insufficient at this time (Ambry internal data). Based on the available evidence, the clinical significance of this variant remains unclear.

Genome-Nilou Lab
Classification: Uncertain significance for Intellectual disability, autosomal dominant 16. Last evaluated: 2021-07-15. Review status: criteria provided, single submitter. Criteria: ACMG Guidelines, 2015. Collection method: clinical testing. Allele origin: germline. Affected: no.

Labcorp Genetics (formerly Invitae), Labcorp
Classification: Uncertain significance for Rhabdoid tumor predisposition syndrome 2. Last evaluated: 2017-08-09. Review status: criteria provided, single submitter. Criteria: Invitae Variant Classification Sherloc (09022015). Collection method: clinical testing. Allele origin: germline.
Comment: In summary, the available evidence is currently insufficient to determine the role of this variant in disease. Therefore, it has been classified as a Variant of Uncertain Significance. Nucleotide substitutions within the consensus splice site are a relatively common cause of aberrant splicing (PMID: 17576681, 9536098). Algorithms developed to predict the effect of sequence changes on RNA splicing suggest that this variant may disrupt the consensus splice site, but this prediction has not been confirmed by published transcriptional studies. This variant has not been reported in the literature in individuals with SMARCA4-related disease. This variant is not present in population databases (ExAC no frequency). This sequence change falls in intron 10 of the SMARCA4 gene. It does not directly change the encoded amino acid sequence of the SMARCA4 protein, but it affects a nucleotide within the consensus splice site of the intron.

Literature cited by the submitters: PubMed 17576681 (cited by Labcorp Genetics (formerly Invitae), Labcorp); PubMed 9536098 (cited by Labcorp Genetics (formerly Invitae), Labcorp).

NM_003072.5(SMARCA4):c.1761+5G>A

Gene: SMARCA4 (SWI/SNF related BAF chromatin remodeling complex subunit ATPase 4; plus strand). Cytogenetic location: 19p13.2.
Variant type: single nucleotide variant.
Coding change: c.1761+5G>A on transcript NM_003072.5 (MANE Select); 5 bases into the intron after coding-DNA position 1761, G replaced by A.
Molecular consequence: intron variant.
Genome position (GRCh38, 1-based): chr19:10,996,385, G>A. VCF-style: chr19-10996385-G-A. GRCh37 (hg19) VCF-style: chr19-11107061-G-A.
Other names: c.1761+5G>A (NM_001128844.3, NM_001128849.3, NM_001128847.4 and 5 more transcripts).
Identifiers: ClinVar variation 484958 (VCV000484958.14), dbSNP rs1555763822, ClinGen allele CA658656773.
Genomic context (GRCh38, chr19:10,996,385, plus strand): 5'-GGCAGCACAAGGCTGCCCAGGTCGCCAAGGAGAAAAAGAAGAAAAAGAAAAAGAAGGTGT[G>A]CTGGGCCTGGCATGGTGCCCGCCGCGGGTGGGATGGGAGCAGCCGTCTTCACGTGTGTGG-3'